The following is an entry in ClinVar:

ClinVar aggregate classification (germline): Uncertain significance. Review status: criteria provided, multiple submitters, no conflicts (2 of 4 stars). 2 submissions from 2 submitters: Uncertain significance (2). Last evaluated 2025-12-19.

Conditions:
DNAH1-related disorder. Also called: DNAH1-related condition.

gnomAD v4.1: 25 of 1,581,768 alleles (0.0016%); highest among the groups gnomAD compares: South Asian, 0.023%; no homozygotes.

Submissions (2):

PreventionGenetics, part of Exact Sciences
Classification: Uncertain significance for DNAH1-related condition. Last evaluated: 2025-12-19. Review status: criteria provided, single submitter. Criteria: ACMG Guidelines, 2015. Collection method: clinical testing. Allele origin: germline.
Comment: The DNAH1 c.7429C>T variant is predicted to result in the amino acid substitution p.Arg2477Trp. To our knowledge, this variant has not been reported in the literature. This variant is reported in 0.028% of alleles in individuals of South Asian descent in gnomAD. At this time, the clinical significance of this variant is uncertain due to the absence of conclusive functional and genetic evidence.

Ambry Genetics
Classification: Uncertain significance. Last evaluated: 2024-05-30. Review status: criteria provided, single submitter. Criteria: Ambry Variant Classification Scheme 2023. Collection method: clinical testing. Allele origin: germline.

NM_015512.5(DNAH1):c.7429C>T (p.Arg2477Trp)

Gene: DNAH1 (dynein axonemal heavy chain 1; plus strand). Cytogenetic location: 3p21.1.
Variant type: single nucleotide variant.
Coding change: c.7429C>T on transcript NM_015512.5 (MANE Select); coding-DNA position 7429, C replaced by T.
Protein change: p.Arg2477Trp; replaces arginine 2477 with tryptophan.
Molecular consequence: missense variant.
Genome position (GRCh38, 1-based): chr3:52,379,956, C>T. VCF-style: chr3-52379956-C-T. GRCh37 (hg19) VCF-style: chr3-52413972-C-T.
Other names: short protein forms R2477W.
Identifiers: ClinVar variation 3272546 (VCV003272546.2).